The following is an entry in ClinVar:

NM_004655.4(AXIN2):c.1100C>T (p.Pro367Leu)

Gene: AXIN2 (axin 2; minus strand). Cytogenetic location: 17q24.1.
Variant type: single nucleotide variant.
Coding change: c.1100C>T on transcript NM_004655.4 (MANE Select); coding-DNA position 1100, C replaced by T.
Protein change: p.Pro367Leu; replaces proline 367 with leucine.
Molecular consequence: missense variant.
Genome position (GRCh38, 1-based): chr17:65,538,303, G>A on the plus strand (C>T on the coding strand, the complement: AXIN2 is on the minus strand). VCF-style: chr17-65538303-G-A. GRCh37 (hg19) VCF-style: chr17-63534421-G-A.
Other names: c.1100C>T, p.Pro367Leu (NM_001363813.1); short protein forms P367L.
Identifiers: ClinVar variation 822172 (VCV000822172.12), dbSNP rs1330131800, ClinGen allele CA400678475.

ClinVar aggregate classification (germline): Uncertain significance. Review status: criteria provided, multiple submitters, no conflicts (2 of 4 stars). 2 submissions from 2 submitters: Uncertain significance (2). Last evaluated 2021-05-18.

Conditions:
Hereditary cancer-predisposing syndrome. Also called: Tumor predisposition; Hereditary Cancer Syndrome; Neoplastic Syndromes, Hereditary; Hereditary neoplastic syndrome. Identifiers: Orphanet 140162, MedGen C0027672, MeSH D009386, MONDO:0015356.
Oligodontia-cancer predisposition syndrome. Also called: TOOTH AGENESIS-COLORECTAL CANCER SYNDROME. Identifiers: Orphanet 300576, MedGen C1837750, MONDO:0012075, OMIM 608615. Disease mechanism: loss of function.

Submissions (2):

Labcorp Genetics (formerly Invitae), Labcorp
Classification: Uncertain significance for Oligodontia-cancer predisposition syndrome. Last evaluated: 2021-05-18. Review status: criteria provided, single submitter. Criteria: Invitae Variant Classification Sherloc (09022015). Collection method: clinical testing. Allele origin: germline.
Comment: In summary, the available evidence is currently insufficient to determine the role of this variant in disease. Therefore, it has been classified as a Variant of Uncertain Significance. Algorithms developed to predict the effect of missense changes on protein structure and function are either unavailable or do not agree on the potential impact of this missense change (SIFT: "Deleterious"; PolyPhen-2: "Probably Damaging"; Align-GVGD: "Class C0"). This variant has not been reported in the literature in individuals with AXIN2-related conditions. ClinVar contains an entry for this variant (Variation ID: 822172). This variant is not present in population databases (ExAC no frequency). This sequence change replaces proline with leucine at codon 367 of the AXIN2 protein (p.Pro367Leu). The proline residue is highly conserved and there is a moderate physicochemical difference between proline and leucine.

Ambry Genetics
Classification: Uncertain significance for Hereditary cancer-predisposing syndrome. Last evaluated: 2019-07-29. Review status: criteria provided, single submitter. Criteria: Ambry Variant Classification Scheme 2023. Collection method: clinical testing. Allele origin: germline.
Comment: The p.P367L variant (also known as c.1100C>T), located in coding exon 4 of the AXIN2 gene, results from a C to T substitution at nucleotide position 1100. The proline at codon 367 is replaced by leucine, an amino acid with similar properties. This amino acid position is highly conserved in available vertebrate species. In addition, this alteration is predicted to be deleterious by in silico analysis. Since supporting evidence is limited at this time, the clinical significance of this alteration remains unclear.